The following is an entry in ClinVar:

ClinVar aggregate classification (germline): Pathogenic (1 of 4 stars; one submission).

Conditions:
Primary ciliary dyskinesia. Also called: Ciliary dyskinesia. Identifiers: Orphanet 244, MedGen C0008780, MONDO:0016575, HP:0012265.

Submission:

Labcorp Genetics (formerly Invitae), Labcorp
Classification: Pathogenic for Primary ciliary dyskinesia. Last evaluated: 2022-11-18. Review status: criteria provided, single submitter. Criteria: Invitae Variant Classification Sherloc (09022015). Collection method: clinical testing. Allele origin: germline.
Comment: For these reasons, this variant has been classified as Pathogenic. This variant has not been reported in the literature in individuals affected with DNAH5-related conditions. This variant is not present in population databases (gnomAD no frequency). This sequence change creates a premature translational stop signal (p.Glu2430Glyfs*31) in the DNAH5 gene. It is expected to result in an absent or disrupted protein product. Loss-of-function variants in DNAH5 are known to be pathogenic (PMID: 11788826, 16627867).

Literature cited by the submitters: PubMed 11788826; PubMed 16627867.

NM_001369.3(DNAH5):c.7288dup (p.Glu2430fs)

Gene: DNAH5 (dynein axonemal heavy chain 5; minus strand). Cytogenetic location: 5p15.2.
Variant type: Duplication.
Coding change: c.7288dup on transcript NM_001369.3 (MANE Select); coding-DNA position 7288, one base duplicated (G; older notation c.7288dupG).
Protein change: p.Glu2430fs; shifts the reading frame from glutamic acid 2430.
Molecular consequence: frameshift variant.
Genome position (GRCh38, 1-based): chr5:13,811,766, C duplicated on the plus strand (G on the coding strand, the reverse complement: DNAH5 is on the minus strand). VCF-style (leftmost placement, unchanged base first): chr5-13811765-T-TC. GRCh37 (hg19) VCF-style: chr5-13811874-T-TC.
Other names: short protein forms E2430fs.
Identifiers: ClinVar variation 2780446 (VCV002780446.3), dbSNP rs2546814805, ClinGen allele CA2739274649.